The following is an entry in ClinVar:

ClinVar aggregate classification (germline): Uncertain significance (1 of 4 stars; one submission).

Conditions:
Cardiovascular phenotype. Identifiers: MedGen CN230736.

Allele frequency attached by ClinVar (database versions not stated): ExAC 0.00001; gnomAD 0.00001; TOPMed 0.00001.
gnomAD v4.1: 1 of 1,612,278 alleles (0.000062%); highest among the groups gnomAD compares: African/African-American, 0.0013%; no homozygotes.

Submission:

Ambry Genetics
Classification: Uncertain significance for Cardiovascular phenotype. Last evaluated: 2020-02-03. Review status: criteria provided, single submitter. Criteria: Ambry Variant Classification Scheme 2023. Collection method: clinical testing. Allele origin: germline.
Comment: The c.3805-6C>T intronic variant results from a C to T substitution 6 nucleotides upstream from coding exon 22 in the SCN10A gene. This nucleotide position is not well conserved in available vertebrate species. Using the BDGP and ESEfinder splice site prediction tools, this alteration is not predicted to have any significant effect on this splice acceptor site; however, direct evidence is unavailable. Since supporting evidence is limited at this time, the clinical significance of this alteration remains unclear.

NM_006514.4(SCN10A):c.3805-6C>T

Gene: SCN10A (sodium voltage-gated channel alpha subunit 10; minus strand). Cytogenetic location: 3p22.2.
Variant type: single nucleotide variant.
Coding change: c.3805-6C>T on transcript NM_006514.4 (MANE Select); 6 bases into the intron before coding-DNA position 3805, C replaced by T.
Molecular consequence: intron variant.
Genome position (GRCh38, 1-based): chr3:38,712,451, G>A on the plus strand (C>T on the coding strand, the complement: SCN10A is on the minus strand). VCF-style: chr3-38712451-G-A. GRCh37 (hg19) VCF-style: chr3-38753942-G-A.
Other names: c.3511-6C>T (NM_001293307.2); c.3802-6C>T (NM_001293306.2).
Identifiers: ClinVar variation 1735102 (VCV001735102.2), dbSNP rs764939256, ClinGen allele CA2320090.